The following is an entry in ClinVar:

NM_002497.4(NEK2):c.561A>T (p.Gln187His)

Gene: NEK2 (NIMA related kinase 2; minus strand). Cytogenetic location: 1q32.3.
Variant type: single nucleotide variant.
Coding change: c.561A>T on transcript NM_002497.4 (MANE Select); coding-DNA position 561, A replaced by T.
Protein change: p.Gln187His; replaces glutamine 187 with histidine.
Molecular consequence: missense variant.
Genome position (GRCh38, 1-based): chr1:211,671,279, T>A on the plus strand (A>T on the coding strand, the complement: NEK2 is on the minus strand). VCF-style: chr1-211671279-T-A. GRCh37 (hg19) VCF-style: chr1-211844621-T-A.
Other names: c.561A>T (NM_002497.3); c.561A>T, p.Gln187His (NM_001204182.2, NM_001204183.2); short protein forms Q187H.
Identifiers: ClinVar variation 1512681 (VCV001512681.9), dbSNP rs566646481, ClinGen allele CA1381655.
Genomic context (GRCh38, chr1:211,671,279, plus strand): 5'-ATACAGCAAGCAGCCCAATGACCAGATATCTGATTTCTCATTGTAGGACATGCGATTCAT[T>A]TGTTCCTATACAGGGAAAAAGGGTAAGAAAGTGGAAGGTGTTAAGAGTTTATTTTGTTTT-3'
Protein context (NP_002488.1, residues 177-197): VGTPYYMSPE[Gln187His]MNRMSYNEKS

ClinVar aggregate classification (germline): Uncertain significance. Review status: criteria provided, multiple submitters, no conflicts (2 of 4 stars). 2 submissions from 2 submitters: Uncertain significance (2). Last evaluated 2023-09-29.

Allele frequency attached by ClinVar (database versions not stated): ExAC 0.00002; gnomAD 0.00002 and 0.00003; gnomAD exomes 0.00002 and 0.00005; TOPMed 0.00003; 1000 Genomes Project 30x 0.00016; 1000 Genomes Project 0.00020.
gnomAD v4.1: 76 of 1,612,648 alleles (0.0047%); highest among the groups gnomAD compares: Non-Finnish European, 0.0061%; no homozygotes.

Submissions (2):

Ambry Genetics
Classification: Uncertain significance. Last evaluated: 2023-09-29. Review status: criteria provided, single submitter. Criteria: Ambry Variant Classification Scheme 2023. Collection method: clinical testing. Allele origin: germline.

Labcorp Genetics (formerly Invitae), Labcorp
Classification: Uncertain significance. Last evaluated: 2023-01-12. Review status: criteria provided, single submitter. Criteria: Invitae Variant Classification Sherloc (09022015). Collection method: clinical testing. Allele origin: germline.
Comment: In summary, the available evidence is currently insufficient to determine the role of this variant in disease. Therefore, it has been classified as a Variant of Uncertain Significance. Algorithms developed to predict the effect of missense changes on protein structure and function are either unavailable or do not agree on the potential impact of this missense change (SIFT: "Deleterious"; PolyPhen-2: "Probably Damaging"; Align-GVGD: "Class C0"). ClinVar contains an entry for this variant (Variation ID: 1512681). This variant has not been reported in the literature in individuals affected with NEK2-related conditions. This variant is present in population databases (rs566646481, gnomAD 0.003%). This sequence change replaces glutamine, which is neutral and polar, with histidine, which is basic and polar, at codon 187 of the NEK2 protein (p.Gln187His).